The following is an entry in ClinVar:

NM_178012.5(TUBB2B):c.466C>T (p.Arg156Trp)

Gene: TUBB2B (tubulin beta 2B class IIb; minus strand). Cytogenetic location: 6p25.2.
Variant type: single nucleotide variant.
Coding change: c.466C>T on transcript NM_178012.5 (MANE Select); coding-DNA position 466, C replaced by T.
Protein change: p.Arg156Trp; replaces arginine 156 with tryptophan.
Molecular consequence: missense variant.
Genome position (GRCh38, 1-based): chr6:3,225,623, G>A on the plus strand (C>T on the coding strand, the complement: TUBB2B is on the minus strand). VCF-style: chr6-3225623-G-A. GRCh37 (hg19) VCF-style: chr6-3225857-G-A.
Other names: short protein forms R156W.
Identifiers: ClinVar variation 3619435 (VCV003619435.2).

ClinVar aggregate classification (germline): Uncertain significance (1 of 4 stars; one submission).

Submission:

Labcorp Genetics (formerly Invitae), Labcorp
Classification: Uncertain significance. Last evaluated: 2024-11-11. Review status: criteria provided, single submitter. Criteria: Invitae Variant Classification Sherloc (09022015). Collection method: clinical testing. Allele origin: germline.
Comment: This sequence change replaces arginine, which is basic and polar, with tryptophan, which is neutral and slightly polar, at codon 156 of the TUBB2B protein (p.Arg156Trp). This variant is not present in population databases (gnomAD no frequency). This variant has not been reported in the literature in individuals affected with TUBB2B-related conditions. Invitae Evidence Modeling of protein sequence and biophysical properties (such as structural, functional, and spatial information, amino acid conservation, physicochemical variation, residue mobility, and thermodynamic stability) indicates that this missense variant is expected to disrupt TUBB2B protein function with a positive predictive value of 80%. In summary, the available evidence is currently insufficient to determine the role of this variant in disease. Therefore, it has been classified as a Variant of Uncertain Significance.